The following is an entry in ClinVar:

NM_004260.4(RECQL4):c.1252del (p.Arg418fs)

Gene: RECQL4 (RecQ like helicase 4; minus strand). Cytogenetic location: 8q24.3.
Variant type: Deletion.
Coding change: c.1252del on transcript NM_004260.4 (MANE Select); coding-DNA position 1252, one base deleted (C; older notation c.1252delC).
Protein change: p.Arg418fs; shifts the reading frame from arginine 418.
Molecular consequence: frameshift variant.
Genome position (GRCh38, 1-based): chr8:144,515,770, G deleted on the plus strand (C on the coding strand, the reverse complement: RECQL4 is on the minus strand); the first of 4 consecutive G bases (chr8:144,515,770-144,515,773); deleting any one gives the same sequence. VCF-style (leftmost placement, unchanged base first): chr8-144515769-CG-C. GRCh37 (hg19) VCF-style: chr8-145741153-CG-C.
Other names: c.1153delC, p.Arg386Glyfs (NM_001413017.1, NM_001413020.1); c.1249delC, p.Arg418Glyfs (NM_001413018.1, NM_001413019.1, NM_001413033.1 and 2 more transcripts); c.178delC, p.Arg61Glyfs (NM_001413021.1, NM_001413022.1, NM_001413023.1 and 8 more transcripts); c.1120delC, p.Arg375Glyfs (NM_001413025.1); c.116delC, p.Pro40Argfs (NM_001413027.1, NM_001413030.1, NM_001413031.1 and 2 more transcripts); c.898delC, p.Arg301Glyfs (NM_001413029.1); short protein forms R418fs.
Identifiers: ClinVar variation 1933672 (VCV001933672.5), dbSNP rs2538071871, ClinGen allele CA2580078828.
Genomic context (GRCh38, chr8:144,515,769, plus strand): 5'-ACTGCGCCCTCTCCACAGTGTTGGCCGGACCCACCCTCCAGGGCAGATGTCTCACCTGGC[CG>C]GGGACACTGGGCTGCCCAGTGATCGAACTGCTCGTTCAGGAAACAAGACTCCTTGGTTGT-3'

ClinVar aggregate classification (germline): Pathogenic (1 of 4 stars; one submission).

Conditions:
Baller-Gerold syndrome (BGS). Also called: CRANIOSYNOSTOSIS WITH RADIAL DEFECTS. Identifiers: Orphanet 1225, MedGen C0265308, MONDO:0009039, OMIM 218600.

Submission:

Labcorp Genetics (formerly Invitae), Labcorp
Classification: Pathogenic for Baller-Gerold syndrome. Last evaluated: 2024-01-19. Review status: criteria provided, single submitter. Criteria: Invitae Variant Classification Sherloc (09022015). Collection method: clinical testing. Allele origin: germline.
Comment: This sequence change creates a premature translational stop signal (p.Arg418Glyfs*140) in the RECQL4 gene. It is expected to result in an absent or disrupted protein product. Loss-of-function variants in RECQL4 are known to be pathogenic (PMID: 12734318, 12952869). This variant is not present in population databases (gnomAD no frequency). This variant has not been reported in the literature in individuals affected with RECQL4-related conditions. ClinVar contains an entry for this variant (Variation ID: 1933672). For these reasons, this variant has been classified as Pathogenic.

Literature cited by the submitters: PubMed 12734318; PubMed 12952869.